The following is an entry in ClinVar:

NC_000018.9:g.(?_28673502)_(28673626_?)dup

Gene: DSC2 (desmocollin 2; minus strand). Cytogenetic location: 18q12.1.
Variant type: Duplication.
Identifiers: ClinVar variation 536288 (VCV000536288.1).

ClinVar aggregate classification (germline): Likely pathogenic (1 of 4 stars; one submission).

Conditions:
Arrhythmogenic right ventricular dysplasia 11. Also called: Arrhythmogenic right ventricular dysplasia 11 with mild palmoplantar keratoderma and woolly hair; Arrhythmogenic Right Ventricular Dysplasia/Cardiomyopathy11; ARRHYTHMOGENIC RIGHT VENTRICULAR DYSPLASIA, FAMILIAL, 11. Identifiers: MedGen C1864850, MONDO:0012506, OMIM 610476.

Submission:

Labcorp Genetics (formerly Invitae), Labcorp
Classification: Likely pathogenic for Arrhythmogenic right ventricular dysplasia 11. Last evaluated: 2018-01-04. Review status: criteria provided, single submitter. Criteria: Invitae Variant Classification Sherloc (09022015). Collection method: clinical testing. Allele origin: germline.
Comment: This variant is a gross duplication of the genomic region encompassing exon 2 of the DSC2 gene. While the exact position of the duplicated exons cannot be determined from this data, sub-genic duplications are generally in tandem (PMID: 25640679) and may result in an absent or disrupted protein product. This variant has not been reported in the literature in individuals with DSC2-related disease. Loss-of-function variants in DSC2 are known to be pathogenic (PMID: 18957847, 23863954, 23911551). In summary, the currently available evidence indicates that the variant is pathogenic, but additional data are needed to prove that conclusively. Therefore, this variant has been classified as Likely Pathogenic.